The following is an entry in ClinVar:

ClinVar aggregate classification (germline): Pathogenic. Review status: criteria provided, multiple submitters, no conflicts (2 of 4 stars). 2 submissions from 2 submitters: Pathogenic (2). Last evaluated 2024-02-25.

Conditions:
GNPTAB-mucolipidosis. Also called: UDP-N-acetylglucosamine-1-phosphotransferase subunit alpha/beta deficiency. Identifiers: MedGen CN322573, MONDO:0100122.
Mucolipidosis type II. Also called: Mucolipidosis II Alpha/Beta; ML II ALPHA/BETA; Mucolipidosis 2; ML 2; Inclusion cell disease; Leroy Disease. Identifiers: Orphanet 576, MedGen C2673377, MONDO:0009650, OMIM 252500.
Pseudo-Hurler polydystrophy. Also called: Type III Mucolipidosis; MUCOLIPIDOSIS IIIA; ML III; ML III ALPHA/BETA; ML IIIA; Mucolipidosis III Alpha/Beta. Identifiers: Orphanet 423461, Orphanet 577, MedGen C0033788, MONDO:0018931, OMIM 252600.

Allele frequency attached by ClinVar (database versions not stated): gnomAD exomes below 0.00001; TOPMed 0.00001.

Submissions (2):

Myriad Genetics, Inc.
Classification: Pathogenic for GNPTAB-mucolipidosis. Last evaluated: 2024-02-25. Review status: criteria provided, single submitter. Criteria: Myriad Autosomal Dominant, Autosomal Recessive and X-Linked Classification Criteria (2023). Collection method: clinical testing. Allele origin: unknown.
Comment: NM_024312.4(GNPTAB):c.1511delA(Y504Sfs*43) is expected to be pathogenic in the context of GNPTAB-related disorders. This variant is predicted to lead to an abnormal or absent protein product due to the creation of a premature termination codon in GNPTAB, a gene where loss-of-function variants are known to be pathogenic. Please note: this variant was assessed in the context of healthy population screening.

Labcorp Genetics (formerly Invitae), Labcorp
Classification: Pathogenic for Pseudo-Hurler polydystrophy; Mucolipidosis type II. Last evaluated: 2022-06-09. Review status: criteria provided, single submitter. Criteria: Invitae Variant Classification Sherloc (09022015). Collection method: clinical testing. Allele origin: germline.
Comment: This sequence change creates a premature translational stop signal (p.Tyr504Serfs*43) in the GNPTAB gene. It is expected to result in an absent or disrupted protein product. Loss-of-function variants in GNPTAB are known to be pathogenic (PMID: 19617216, 25107912). This variant is not present in population databases (gnomAD no frequency). For these reasons, this variant has been classified as Pathogenic. Algorithms developed to predict the effect of sequence changes on RNA splicing suggest that this variant may create or strengthen a splice site. ClinVar contains an entry for this variant (Variation ID: 857819). This variant has not been reported in the literature in individuals affected with GNPTAB-related conditions.

Literature cited by the submitters: PubMed 19617216 (cited by Labcorp Genetics (formerly Invitae), Labcorp); PubMed 25107912 (cited by Labcorp Genetics (formerly Invitae), Labcorp).

NM_024312.5(GNPTAB):c.1511del (p.Tyr504fs)

Gene: GNPTAB (N-acetylglucosamine-1-phosphate transferase subunits alpha and beta; minus strand). Cytogenetic location: 12q23.2.
Variant type: Deletion.
Coding change: c.1511del on transcript NM_024312.5 (MANE Select); coding-DNA position 1511, one base deleted (A; older notation c.1511delA).
Protein change: p.Tyr504fs; shifts the reading frame from tyrosine 504.
Molecular consequence: frameshift variant.
Genome position (GRCh38, 1-based): chr12:101,766,192, T deleted on the plus strand (A on the coding strand, the reverse complement: GNPTAB is on the minus strand). VCF-style (leftmost placement, unchanged base first): chr12-101766191-GT-G. GRCh37 (hg19) VCF-style: chr12-102159969-GT-G.
Other names: short protein forms Y504fs.
Identifiers: ClinVar variation 857819 (VCV000857819.10), dbSNP rs1479370932, ClinGen allele CA682728843.